The following is an entry in ClinVar:

NM_002691.4(POLD1):c.1156C>T (p.Arg386Cys)

Gene: POLD1 (DNA polymerase delta 1, catalytic subunit; plus strand). Cytogenetic location: 19q13.33.
Variant type: single nucleotide variant.
Coding change: c.1156C>T on transcript NM_002691.4 (MANE Select); coding-DNA position 1156, C replaced by T.
Protein change: p.Arg386Cys; replaces arginine 386 with cysteine.
Molecular consequence: missense variant. On other transcripts: non-coding transcript variant (1).
Genome position (GRCh38, 1-based): chr19:50,403,511, C>T. VCF-style: chr19-50403511-C-T. GRCh37 (hg19) VCF-style: chr19-50906768-C-T.
Other names: c.1156C>T, p.Arg386Cys (NM_001256849.1, NM_001308632.1); short protein forms R386C.
Identifiers: ClinVar variation 408059 (VCV000408059.27), dbSNP rs373046355, ClinGen allele CA9596054.

ClinVar aggregate classification (germline): Uncertain significance. Review status: criteria provided, multiple submitters, no conflicts (2 of 4 stars). 6 submissions from 6 submitters: Uncertain significance (6). Last evaluated 2026-07-23.

Conditions:
POLD1-related polyposis and colorectal cancer syndrome (CRCS10). Also called: Colorectal cancer, susceptibility to, 10; Colorectal cancer 10; COLORECTAL CANCER, SUSCEPTIBILITY TO, ON CHROMOSOME 19q. Identifiers: Orphanet 220460, MedGen C2675481, MONDO:0012953, OMIM 612591.
POLD1-related disorder. Also called: POLD1-related disorders; POLD1-related condition.
Hereditary cancer-predisposing syndrome. Also called: Neoplastic Syndromes, Hereditary; Hereditary neoplastic syndrome; Hereditary Cancer Syndrome; Tumor predisposition. Identifiers: Orphanet 140162, MedGen C0027672, MeSH D009386, MONDO:0015356.

Allele frequency attached by ClinVar (database versions not stated): TOPMed below 0.00001; gnomAD exomes 0.00002 and 0.00003; ExAC 0.00003; ESP Exome Variant Server 0.00008.
gnomAD v4.1: 29 of 1,613,596 alleles (0.0018%); highest among the groups gnomAD compares: South Asian, 0.021%; no homozygotes.

Submissions (6):

PreventionGenetics, part of Exact Sciences
Classification: Uncertain significance for POLD1-related condition. Last evaluated: 2026-07-23. Review status: criteria provided, single submitter. Criteria: ACMG Guidelines, 2015. Collection method: clinical testing. Allele origin: germline.
Comment: The POLD1 c.1156C>T variant is predicted to result in the amino acid substitution p.Arg386Cys. To our knowledge, this variant has not been reported in the literature. It is reported in 0.016% of alleles in individuals of South Asian descent in gnomAD and is classified as uncertain in ClinVar (Variation ID: 408059). Although we suspect that this variant may be benign, at this time, the clinical significance of this variant is uncertain due to the absence of conclusive functional and genetic evidence.

Labcorp Genetics (formerly Invitae), Labcorp
Classification: Uncertain significance for POLD1-related polyposis and colorectal cancer syndrome. Last evaluated: 2026-01-28. Review status: criteria provided, single submitter. Criteria: Invitae Variant Classification Sherloc (09022015). Collection method: clinical testing. Allele origin: germline.
Comment: This sequence change replaces arginine, which is basic and polar, with cysteine, which is neutral and slightly polar, at codon 386 of the POLD1 protein (p.Arg386Cys). This variant is present in population databases (rs373046355, gnomAD 0.02%). This variant has not been reported in the literature in individuals affected with POLD1-related conditions. ClinVar contains an entry for this variant (Variation ID: 408059). Invitae Evidence Modeling of protein sequence and biophysical properties (such as structural, functional, and spatial information, amino acid conservation, physicochemical variation, residue mobility, and thermodynamic stability) indicates that this missense variant is not expected to disrupt POLD1 protein function with a negative predictive value of 80%. In summary, the available evidence is currently insufficient to determine the role of this variant in disease. Therefore, it has been classified as a Variant of Uncertain Significance.

Ambry Genetics
Classification: Uncertain significance for Hereditary cancer-predisposing syndrome. Last evaluated: 2025-06-18. Review status: criteria provided, single submitter. Criteria: Ambry Variant Classification Scheme 2023. Collection method: clinical testing. Allele origin: germline.

Quest Diagnostics Nichols Institute San Juan Capistrano
Classification: Uncertain significance. Last evaluated: 2023-12-06. Review status: criteria provided, single submitter. Criteria: Quest Diagnostics criteria. Collection method: clinical testing. Allele origin: unknown.
Comment: The POLD1 c.1156C>T (p.Arg386Cys) variant has not been reported in individuals with POLD1-related conditions in the published literature. The frequency of this variant in the general population, 0.00016 (5/30616 chromosomes in South Asian subpopulation (Genome Aggregation Database)), is higher than would generally be expected for pathogenic variants in this gene. Analysis of this variant using bioinformatics tools for the prediction of the effect of amino acid changes on protein structure and function yielded conflicting predictions that this variant is benign or damaging. Based on the available information, we are unable to determine the clinical significance of this variant.

GeneDx
Classification: Uncertain significance. Last evaluated: 2023-02-03. Review status: criteria provided, single submitter. Criteria: GeneDx Variant Classification Process June 2021. Collection method: clinical testing. Allele origin: germline. Affected: yes.
Comment: In silico analysis supports that this missense variant has a deleterious effect on protein structure/function; Has not been previously published as pathogenic or benign to our knowledge; This variant is associated with the following publications: (PMID: 20951805, 35620275, 27535533)

Sema4
Classification: Uncertain significance for Hereditary cancer-predisposing syndrome. Last evaluated: 2022-02-25. Review status: criteria provided, single submitter. Criteria: Sema4 Curation Guidelines. Collection method: curation. Allele origin: germline.
Comment: The POLD1 c.1156C>T (p.R386C) variant has not been reported in the literature to our knowledge. This variant was observed in 5/30616 chromosomes in the South Asian population according to the Genome Aggregation Database (PMID: 32461654). The variant has been reported in ClinVar (Variation ID: 408059). Functional studies have not been performed, and in silico predictions of the variant's effect on protein function are inconclusive. The evidence is insufficient to meet ACMG/AMP criteria for classifying the variant as benign or pathogenic. Thus, the clinical significance of this variant is currently uncertain.

Literature cited by the submitters: PubMed 35620275 (cited by Quest Diagnostics Nichols Institute San Juan Capistrano).